The following is an entry in ClinVar:

ClinVar aggregate classification (germline): Uncertain significance (1 of 4 stars; one submission).

Allele frequency attached by ClinVar (database versions not stated): TOPMed 0.00002; gnomAD 0.00003 and 0.00004; gnomAD exomes 0.00003.

Submission:

Labcorp Genetics (formerly Invitae), Labcorp
Classification: Uncertain significance. Last evaluated: 2021-11-22. Review status: criteria provided, single submitter. Criteria: Invitae Variant Classification Sherloc (09022015). Collection method: clinical testing. Allele origin: germline.
Comment: This sequence change replaces valine, which is neutral and non-polar, with alanine, which is neutral and non-polar, at codon 82 of the ECHS1 protein (p.Val82Ala). The frequency data for this variant in the population databases is considered unreliable, as metrics indicate poor data quality at this position in the gnomAD database. This variant has not been reported in the literature in individuals affected with ECHS1-related conditions. Advanced modeling of protein sequence and biophysical properties (such as structural, functional, and spatial information, amino acid conservation, physicochemical variation, residue mobility, and thermodynamic stability) performed at Invitae indicates that this missense variant is expected to disrupt ECHS1 protein function. In summary, the available evidence is currently insufficient to determine the role of this variant in disease. Therefore, it has been classified as a Variant of Uncertain Significance.

NM_004092.4(ECHS1):c.245T>C (p.Val82Ala)

Gene: ECHS1 (enoyl-CoA hydratase, short chain 1; minus strand). Cytogenetic location: 10q26.3.
Variant type: single nucleotide variant.
Coding change: c.245T>C on transcript NM_004092.4 (MANE Select); coding-DNA position 245, T replaced by C.
Protein change: p.Val82Ala; replaces valine 82 with alanine.
Molecular consequence: missense variant.
Genome position (GRCh38, 1-based): chr10:133,370,601, A>G on the plus strand (T>C on the coding strand, the complement: ECHS1 is on the minus strand). VCF-style: chr10-133370601-A-G. GRCh37 (hg19) VCF-style: chr10-135184105-A-G.
Other names: short protein forms V82A.
Identifiers: ClinVar variation 1471396 (VCV001471396.3), dbSNP rs975808007, ClinGen allele CA216819107.